The following is an entry in ClinVar:

ClinVar aggregate classification (germline): Pathogenic (1 of 4 stars; one submission).

Conditions:
Hereditary cancer-predisposing syndrome. Also called: Hereditary neoplastic syndrome; Hereditary Cancer Syndrome; Neoplastic Syndromes, Hereditary; Tumor predisposition. Identifiers: Orphanet 140162, MedGen C0027672, MeSH D009386, MONDO:0015356.

Submission:

Labcorp Genetics (formerly Invitae), Labcorp
Classification: Pathogenic for Hereditary cancer-predisposing syndrome. Last evaluated: 2021-08-03. Review status: criteria provided, single submitter. Criteria: Invitae Variant Classification Sherloc (09022015). Collection method: clinical testing. Allele origin: germline.
Comment: For these reasons, this variant has been classified as Pathogenic. This variant has not been reported in the literature in individuals affected with RAD50-related conditions. This variant is not present in population databases (ExAC no frequency). This sequence change creates a premature translational stop signal (p.Tyr902*) in the RAD50 gene. It is expected to result in an absent or disrupted protein product. Loss-of-function variants in RAD50 are known to be pathogenic (PMID: 19409520).

Literature cited by the submitters: PubMed 19409520.

NM_005732.4(RAD50):c.2706C>G (p.Tyr902Ter)

Gene: RAD50 (RAD50 double strand break repair protein; plus strand). Cytogenetic location: 5q31.1.
Variant type: single nucleotide variant.
Coding change: c.2706C>G on transcript NM_005732.4 (MANE Select); coding-DNA position 2706, C replaced by G.
Protein change: p.Tyr902Ter; replaces tyrosine 902 with a stop codon.
Molecular consequence: nonsense.
Genome position (GRCh38, 1-based): chr5:132,604,987, C>G. VCF-style: chr5-132604987-C-G. GRCh37 (hg19) VCF-style: chr5-131940679-C-G.
Other names: short protein forms Y902*.
Identifiers: ClinVar variation 1405601 (VCV001405601.6), dbSNP rs2149847862, ClinGen allele CA360956974.